The following is an entry in ClinVar:

ClinVar aggregate classification (germline): Benign. Review status: criteria provided, multiple submitters, no conflicts (2 of 4 stars). 2 submissions from 2 submitters: Benign (2). Last evaluated 2016-03-29.

Allele frequency attached by ClinVar (database versions not stated): gnomAD exomes 0.44793 and 0.50019; ExAC 0.54425; gnomAD 0.56019 and 0.56353; TOPMed 0.56618; 1000 Genomes Project 0.59046; 1000 Genomes Project 30x 0.59744.
gnomAD v4.1: 540,396 of 1,166,838 alleles (46%); highest among the groups gnomAD compares: African/African-American, 76%; 130,068 homozygotes.

Submissions (2):

Laboratory for Molecular Medicine, Mass General Brigham Personalized Medicine
Classification: Benign. Last evaluated: 2016-03-29. Review status: criteria provided, single submitter. Criteria: LMM Criteria. Collection method: clinical testing. Allele origin: germline.
Comment: Variant identified in a genome or exome case(s) and assessed due to predicted null impact of the variant or pathogenic assertions in the literature or databases. Disclaimer: This variant has not undergone full assessment. The following are preliminary notes: Frequency

Breakthrough Genomics
Classification: Benign. Review status: criteria provided, single submitter. Criteria: ACMG Guidelines, 2015. Collection method: not provided. Allele origin: germline. Inheritance: Unknown mechanism. Affected: yes.

NM_001366028.2(DNAH12):c.5253+289C>T

Gene: DNAH12 (dynein axonemal heavy chain 12; minus strand). Cytogenetic location: 3p14.3.
Variant type: single nucleotide variant.
Coding change: c.5253+289C>T on transcript NM_001366028.2 (MANE Select); 289 bases into the intron after coding-DNA position 5253, C replaced by T.
Molecular consequence: intron variant.
Genome position (GRCh38, 1-based): chr3:57,428,344, G>A on the plus strand (C>T on the coding strand, the complement: DNAH12 is on the minus strand). VCF-style: chr3-57428344-G-A. GRCh37 (hg19) VCF-style: chr3-57414071-G-A.
Identifiers: ClinVar variation 402633 (VCV000402633.5), dbSNP rs4681982, ClinGen allele CA2464840.